The following continues an entry in ClinVar:

NM_000506.5(F2):c.*97G>A

Gene: F2. ClinVar aggregate classification (germline): Pathogenic/Likely pathogenic/Pathogenic, low penetrance/Established risk allele; risk factor. Pathogenic (21); Likely pathogenic (2); Pathogenic, low penetrance (1); Established risk allele (1).

Submissions 8 to 25 of 36:

First Genomix Gene Laboratory, Genetic Diagnostics Department
Classification: Pathogenic for Thrombophilia due to thrombin defect. Last evaluated: 2025-03-18. Review status: criteria provided, single submitter. Criteria: ACMG Guidelines, 2015. Collection method: clinical testing. Allele origin: germline. Inheritance: Autosomal recessive inheritance. Affected: no. Observed: 1 variant allele.

Center for Genomic Medicine, Rigshospitalet, Copenhagen University Hospital
Classification: Pathogenic. Last evaluated: 2025-03-04. Review status: criteria provided, single submitter. Criteria: ACMG Guidelines, 2015. Collection method: clinical testing. Allele origin: germline.

Laboratory of Genetics, Children's Clinical University Hospital Latvia
Classification: Pathogenic. Last evaluated: 2025-02-16. Review status: criteria provided, single submitter. Criteria: ACMG Guidelines, 2015. Collection method: clinical testing. Allele origin: germline. Affected: yes.

Women's Health and Genetics/Laboratory Corporation of America, LabCorp
Classification: Pathogenic for Thrombophilia due to thrombin defect. Last evaluated: 2024-10-09. Review status: criteria provided, single submitter. Criteria: LabCorp Variant Classification Summary - May 2015. Collection method: clinical testing. Allele origin: germline.
Comment: Variant summary: F2 c.*97G>A (also known as c.20210G>A or G20210A) is located in the untranslated mRNA region downstream of the termination codon. The variant allele was found at a frequency of 0.011 in 1474868 control chromosomes in the gnomAD database (v.4.1 dataset), including 134 homozygotes. Heterozygosity for this variant is associated with increased prothrombin levels (e.g. Gehring_2001, Foy_2009), and several meta-analyses reported 2- to 4-fold increased risk of venous thrombosis, describing this variant as the second most common inherited thrombophilic risk factor (e.g. Kujovich_2006, Ho_2006, Foy_2009, Gonzalez_2016, Shemes_2017, Baylis_2021, Ryu_2024). In addition, homozygous individuals were reported to have an even higher relative risk (OR = 5 (95% CI 2.1-11.92)) for venous thromboembolism (Shemes_2017). At least one publication reports experimental evidence evaluating an impact on protein function and demonstrated that the variant caused increased cleavage site recognition and subsequently increased 3' end processing, mRNA accumulation, and increased protein synthesis (Gehring_2001), which can explain the elevated prothrombin plasma concentrations. The following publications have been ascertained in the context of this evaluation (PMID: 34110897, 19289024, 11443298, 27031503, 16606808, 20301327, 28707429, 38498041). ClinVar contains an entry for this variant (Variation ID: 13310). Based on the evidence outlined above, the variant represents a well-known hypermorphic polymorphism, which causes an increase in normal gene function resulting in an increased risk of thrombophilia, therefore it was classified as a 'low penetrance pathogenic' (i.e. risk) variant.

Dubai Health Genomic Medicine Center, Dubai Health
Classification: Pathogenic for Thrombophilia due to thrombin defect. Last evaluated: 2024-10-04. Review status: criteria provided, single submitter. Criteria: ACMG Guidelines, 2015. Collection method: research. Allele origin: germline. Affected: yes.
Comment: PS4,PM2

Centre for Clinical Genetics and Genomic Diagnostics, Zealand University Hospital
Classification: Likely pathogenic. Last evaluated: 2024-08-23. Review status: criteria provided, single submitter. Criteria: ACMG Guidelines, 2015. Collection method: clinical testing. Allele origin: germline. Affected: yes.

Genomic Research Center, Shahid Beheshti University of Medical Sciences
Classification: Pathogenic for Congenital prothrombin deficiency. Last evaluated: 2024-07-20. Review status: criteria provided, single submitter. Criteria: ACMG Guidelines, 2015. Collection method: clinical testing. Allele origin: unknown. Affected: yes.

CeGaT Center for Human Genetics Tuebingen
Classification: Pathogenic. Last evaluated: 2024-05-01. Review status: criteria provided, single submitter. Criteria: CeGaT Center For Human Genetics Tuebingen Variant Classification Criteria Version 2. Collection method: clinical testing. Allele origin: germline. Affected: yes. Observed: 54 variant alleles.
Comment: F2: PS3:Very Strong, PP1:Strong

Fulgent Genetics
Classification: Pathogenic for Thrombophilia due to thrombin defect; Ischemic stroke; Congenital prothrombin deficiency; Pregnancy loss, recurrent, susceptibility to, 2. Last evaluated: 2024-04-09. Review status: criteria provided, single submitter. Criteria: ACMG Guidelines, 2015. Collection method: clinical testing. Allele origin: germline.

Baylor Genetics
Classification: Pathogenic for Thrombophilia due to thrombin defect. Last evaluated: 2023-07-27. Review status: criteria provided, single submitter. Criteria: ACMG Guidelines, 2015. Collection method: clinical testing. Allele origin: unknown.

Clinical Genetics Laboratory, Skane University Hospital Lund
Classification: Pathogenic. Last evaluated: 2022-11-10. Review status: criteria provided, single submitter. Criteria: ACMG Guidelines, 2015. Collection method: clinical testing. Allele origin: germline. Affected: yes.

Illumina Laboratory Services, Illumina
Classification: Pathogenic. Last evaluated: 2022-09-28. Review status: criteria provided, single submitter. Criteria: ICSL CNVClassificationCriteria Aug2020. Collection method: clinical testing. Allele origin: unknown. Affected: yes.
Comment: The F2 c.*97G>A variant, previously known as prothrombin 20210G>A or G20210A, occurs in the 3' untranslated region of the F2 gene and results in the substitution of a guanine at nucleotide position c.*97 with an adenine. The c.*97G>A variant is a well-documented variant associated with an increased risk of venous thromboembolism (VTE). Across a selection of the available literature, heterozygosity for the c.*97G>A variant has been estimated to confer an increased risk of VTE between 1.9 to 11.5 fold, with the majority of estimates falling between 2 and 5 fold. Homozygosity for this variant is presumed to confer a higher risk of VTE, however the magnitude of this risk is not well defined (PMID: 20301327; PMID: 30297698). Data from a 2009 meta-analysis indicated that while heterozygosity for the c.*97G>A variant confers an increased risk for initial VTE, it was not predictive of recurrent events (PMID: 19531787). The highest frequency of this allele in the Genome Aggregation Database is 0.03165 in the Middle Eastern population (version 3.1.2). This frequency is high but is consistent with disease prevalence estimates and incomplete penetrance among variant carriers. Functional studies indicate that the c.*97G>A variant enhances 3' end processing of pre-mRNA, which results in increased mRNA production and elevated prothrombin levels (PMID: 8916933; PMID: 15059842). Based on the collective evidence, the c.*97G>A variant is classified as pathogenic with reduced penetrance for thrombophilia due to thrombin defect.

Laboratorio de Genetica e Diagnostico Molecular, Hospital Israelita Albert Einstein
Classification: Pathogenic for Thrombophilia due to thrombin defect. Last evaluated: 2022-08-02. Review status: criteria provided, single submitter. Criteria: ACMG Guidelines, 2015. Collection method: clinical testing. Allele origin: germline. Affected: yes. Observed: 1 variant allele.
Comment: ACMG classification criteria: PS4 strong, PP1 strong

GeneDx
Classification: Pathogenic. Last evaluated: 2022-05-13. Review status: criteria provided, single submitter. Criteria: GeneDx Variant Classification Process June 2021. Collection method: clinical testing. Allele origin: germline. Affected: yes.
Comment: Also known as 20210G>A and G20210A due to alternate nomenclature; Published functional studies demonstrate elevated plasma levels of prothrombin (Danckwardt et al., 2004); This variant is associated with the following publications: (PMID: 22909823, 26732783, 29431110, 25528068, 26422681, 25772935, 15059842, 22021457, 19356951, 22023246, 20723024, 24619398, 11583312, 8916933, 25977387, 22141575, 27031503, 19652888, 15726653, 28707429, 22023244, 31472339, 25028703, 32155011, 26148378, 24016568, 25693916, 29974397, 30005273, 26226452, 34570182, 16411414, 9238178, 11684865, 10456622, 25509247, 11864707, 10507841, 33258288, 11737249, 11064483, 10406905, 11190909, 11114826)

Neurogenetics Research Program, University of Adelaide
Classification: risk factor for Cerebral palsy. Last evaluated: 2021-06-10. Review status: criteria provided, single submitter. Criteria: ACMG Guidelines, 2015. Collection method: research. Allele origin: unknown. Affected: yes. Observed: 2 variant alleles.
Comment: Heterozygosity for F2 c.*97G>A (G20210A, rs1799963) is the second most common genetic risk factor for venous thrombosis

Laboratory for Molecular Medicine, Mass General Brigham Personalized Medicine
Classification: risk factor for Venous thromboembolism. Last evaluated: 2019-12-04. Review status: criteria provided, single submitter. Criteria: LMM Criteria. Collection method: clinical testing. Allele origin: germline. Observed: 2 variant alleles.
Comment: F2 c.*97G>A (also known as c.20210G>A or G20210A) has been associated with increased risk for venous thromboembolism. This variant has been observed in multiple ethnic backgrounds with highest frequencies in individuals of Latino ancestry (1.8%, Genome Aggregation Database (gnomAD); rs121909293) and is present in ClinVar (ID: 13310). At least two large meta analyses has reported an odds ratio of 3.18-5.18 for developing venous thromboembolism (OR=3.18 [95% CI 2.19-3.46] Gohil 2009, OR=5.38 [95% CI 3.96-8.58] Gonzalez 2016). In vitro functional studies provide some evidence that the c.*97G>A variant may impact protein function (Gehring 2001, Danckwardt 2004). In summary, this variant is not expected to cause highly penetrant Mendelian disease. c.*97G>A variant is an established risk factor for venous thromboembolism.

Mendelics
Classification: Pathogenic for Thrombophilia due to thrombin defect. Last evaluated: 2019-05-28. Review status: criteria provided, single submitter. Criteria: Mendelics Assertion Criteria 2017. Collection method: clinical testing. Allele origin: unknown.

Center of Excellence of Human Genetics, National Research Center
Classification: Likely pathogenic for Congenital prothrombin deficiency. Review status: criteria provided, single submitter. Criteria: ACMG Guidelines, 2015. Collection method: clinical testing. Allele origin: germline. Affected: yes.
Comment: The F2 c.*97G>A variant, previously known as prothrombin 20210G>A or G20210A, occurs in the 3' untranslated region of the F2 gene and results in the substitution of a guanine at nucleotide position c.*97 with an adenine. The c.*97G>A variant is a well-documented variant associated with an increased risk of venous thromboembolism. The c.*97G>A variant is classified as likely pathogenic with reduced penetrance for thrombophilia due to thrombin defect.